The following is an entry in ClinVar:

NM_001267550.2(TTN):c.101665_101668del (p.Leu33888_Val33889insTer)

Genes: TTN-AS1 (TTN antisense RNA 1; plus strand), TTN (titin; minus strand). Cytogenetic location: 2q31.2.
Variant type: Deletion.
Coding change: c.101665_101668del on transcript NM_001267550.2 (MANE Select); coding-DNA positions 101665 to 101668, 4 bases deleted (GTTA; older notation c.101665_101668delGTTA).
Protein change: p.Leu33888_Val33889insTer.
Molecular consequence: nonsense.
Genome position (GRCh38, 1-based): chr2:178,534,947-178,534,950, TAAC deleted on the plus strand (GTTA on the coding strand, the reverse complement: TTN is on the minus strand); deleting any 4 consecutive bases within chr2:178,534,947-178,534,953 gives the same sequence; the c. name uses the placement nearest the transcript's 3' end. VCF-style (leftmost placement, unchanged base first): chr2-178534946-ATAAC-A. GRCh37 (hg19) VCF-style: chr2-179399673-ATAAC-A.
Other names: c.96742_96745del, p.Leu32247_Val32248insTer (NM_001256850.1); c.74470_74473del, p.Leu24823_Val24824insTer (NM_003319.4); c.93961_93964del, p.Leu31320_Val31321insTer (NM_133378.4); c.74845_74848del, p.Leu24948_Val24949insTer (NM_133432.3); c.75046_75049del, p.Leu25015_Val25016insTer (NM_133437.4); c.101665_101668delGTTA (NM_001267550.1); c.74470_74473delGTTA (NM_003319.4).
Identifiers: ClinVar variation 1466441 (VCV001466441.14), dbSNP rs2154136319, ClinGen allele CA2573131728.
Genomic context (GRCh38, chr2:178,534,946, plus strand): 5'-TCAAAAGCACTTGTGTTAATGCGCTCAAATATGTCAAGTCCTGATATAAACTCAAAGATC[ATAAC>A]TAATTCTTCCATGCTTTCAAATGATTCATGGAGGTGTAAGATGTTTCTATGCCTAGCAAT-3'

ClinVar aggregate classification (germline): Conflicting classifications of pathogenicity. Review status: criteria provided, conflicting classifications (1 of 4 stars). 4 submissions from 4 submitters: Likely pathogenic (3); Uncertain significance (1). Last evaluated 2026-05-01.

Conditions:
Cardiovascular phenotype. Identifiers: MedGen CN230736.
Autosomal recessive limb-girdle muscular dystrophy type 2J (LGMDR10). Also called: Limb-girdle muscular dystrophy, type 2J; MUSCULAR DYSTROPHY, LIMB-GIRDLE, AUTOSOMAL RECESSIVE 10. Identifiers: Orphanet 140922, MedGen C1837342, MONDO:0012127, OMIM 608807.
Dilated cardiomyopathy 1G (CMD1G). Identifiers: Orphanet 154, MedGen C1858763, MONDO:0011400, OMIM 604145.

Submissions (4):

Ambry Genetics
Classification: Likely pathogenic for Cardiovascular phenotype. Last evaluated: 2026-05-01. Review status: criteria provided, single submitter. Criteria: Ambry Variant Classification Scheme 2023. Collection method: clinical testing. Allele origin: germline.
Comment: The c.74470_74473delGTTA variant, located in coding exon 185 of the TTN gene, results from a deletion of 4 nucleotides at nucleotide positions 74470 to 74473, causing a translational frameshift with a predicted alternate stop codon (p.V24824*). This exon is located in the M-band region of the N2-B isoform of the titin protein and is constitutively expressed in TTN transcripts (percent spliced in or PSI 100%). This variant was reported in an individual from an inherited cardiac disease cohort (Murphy J et al. Ir J Med Sci, 2024 Aug;193:1775-1785). This variant is considered to be rare based on population cohorts in the Genome Aggregation Database (gnomAD). This variant is expected to result in loss of function by premature protein truncation or nonsense-mediated mRNA decay. While truncating variants in TTN are present in 1-3% of the general population, truncating variants in the M-band have been reported in association with autosomal recessive titinopathies, primarily presenting with skeletal myopathy phenotypes (Ceyhan-Birsoy O et al. Neurology. 2013 Oct 1;81(14):1205-14; De Cid R et al. Neurology. 2015;85(24):2126-35). Truncating variants in coding exon 185 of the M-band of the N2-B isoform have also been specifically associated with autosomal dominant dilated cardiomyopathy (Vatta M et al. Circ GenomPrecis Med. 2025 Feb:e004982). More generally, TTN truncating variants encoded in constitutive exons (PSI >90%) have been found to be significantly associated with dilated cardiomyopathy (DCM) regardless of their position, although truncating variants in the A-band are the most common cause of DCM (Herman DS et al. N. Engl. J. Med., 2012 Feb;366:619-28; Roberts AM et al. Sci Transl Med, 2015 Jan;7:270ra6; Schafer S et al. Nat. Genet., 2017 01;49:46-53; Akhtar MM et al. Circ Heart Fail, 2020 Oct;13:e006832; Massier M et al. Clin Genet, 2025 Jan). Based on the majority of available evidence to date, this variant is likely to be pathogenic.

CeGaT Center for Human Genetics Tuebingen
Classification: Likely pathogenic. Last evaluated: 2025-10-01. Review status: criteria provided, single submitter. Criteria: CeGaT Center For Human Genetics Tuebingen Variant Classification Criteria Version 2. Collection method: clinical testing. Allele origin: germline. Affected: yes. Observed: 1 variant allele.
Comment: TTN: PVS1:Strong, PM2

Labcorp Genetics (formerly Invitae), Labcorp
Classification: Likely pathogenic for Dilated cardiomyopathy 1G; Autosomal recessive limb-girdle muscular dystrophy type 2J. Last evaluated: 2025-03-05. Review status: criteria provided, single submitter. Criteria: Invitae Variant Classification Sherloc (09022015). Collection method: clinical testing. Allele origin: germline.
Comment: This sequence change creates a premature translational stop signal (p.Val33889*) in the TTN gene. While this is not anticipated to result in nonsense mediated decay, it is expected to create a truncated TTN protein. This variant is not present in population databases (gnomAD no frequency). This premature translational stop signal has been observed in individual(s) with dilated cardiomyopathy (internal data). ClinVar contains an entry for this variant (Variation ID: 1466441). This variant is located in the M band of TTN (PMID: 25589632). Truncating variants in this region have been previously reported in individuals affected with autosomal dominant or autosomal recessive myopathy and muscular dystrophy (PMID: 18948003, 23975875, 24395473). Truncating variants in this region have also been identified in individuals affected with autosomal dominant dilated cardiomyopathy and/or cardio-related conditions (PMID: 27869827, 32964742, internal data). In summary, the currently available evidence indicates that the variant is pathogenic, but additional data are needed to prove that conclusively. Therefore, this variant has been classified as Likely Pathogenic.

Victorian Clinical Genetics Services, Murdoch Childrens Research Institute
Classification: Uncertain significance for Dilated cardiomyopathy 1G. Last evaluated: 2022-02-02. Review status: criteria provided, single submitter. Criteria: ACMG Guidelines, 2015. Collection method: clinical testing. Allele origin: germline. Inheritance: Autosomal dominant inheritance. Affected: yes.
Comment: Based on the classification scheme VCGS_Germline_v1.3.4, this variant is classified as VUS-3A. Following criteria are met: 0102 - Loss of function is known mechanism of disease in this gene. In addition, dominant-negative is also a suggested mechanism. (PMID: 25589632). (I) 0108 - This gene is associated with both recessive and dominant disease (OMIM). (I) 0112 - The condition associated with this gene has incomplete penetrance. Variants in this gene that result in a premature truncating codon (PTC) are known to have reduced penetrance in DCM (PMID: 25589632). (I) 0201 - Variant is predicted to cause nonsense-mediated decay (NMD) and loss of protein (premature termination codon is located at least 54 nucleotides upstream of the final exon-exon junction). (SP) 0251 - This variant is heterozygous. (I) 0301 - Variant is absent from gnomAD (both v2 and v3). (SP) 0600 - Variant is located in the annotated C-terminal M-band and the exon has a PSI score of 100 (PMID: 25589632). (I) 0703 - Other NMD-predicted variants comparable to the one identified in this case have moderate previous evidence for pathogenicity (Decipher, ClinVar). (SP) 0807 - This variant has no previous evidence of pathogenicity. (I) 0905 - No published segregation evidence has been identified for this variant. (I) 1007 - No published functional evidence has been identified for this variant. (I) 1208 - Inheritance information for this variant is not currently available in this individual. (I) Legend: (SP) - Supporting pathogenic, (I) - Information, (SB) - Supporting benign

Literature cited by the submitters: PubMed 38489124 (cited by Ambry Genetics); PubMed 25589632 (cited by Labcorp Genetics (formerly Invitae), Labcorp and Victorian Clinical Genetics Services, Murdoch Childrens Research Institute); PubMed 18948003 (cited by Labcorp Genetics (formerly Invitae), Labcorp); PubMed 23975875 (cited by Labcorp Genetics (formerly Invitae), Labcorp); PubMed 24395473 (cited by Labcorp Genetics (formerly Invitae), Labcorp); PubMed 27869827 (cited by Labcorp Genetics (formerly Invitae), Labcorp); PubMed 32964742 (cited by Labcorp Genetics (formerly Invitae), Labcorp).